The following is an entry in ClinVar:

NM_001903.5(CTNNA1):c.8C>T (p.Ala3Val)

Gene: CTNNA1 (catenin alpha 1; plus strand). Cytogenetic location: 5q31.2.
Variant type: single nucleotide variant.
Coding change: c.8C>T on transcript NM_001903.5 (MANE Select); coding-DNA position 8, C replaced by T.
Protein change: p.Ala3Val; replaces alanine 3 with valine.
Molecular consequence: missense variant. On other transcripts: 5 prime UTR variant (2).
Genome position (GRCh38, 1-based): chr5:138,781,932, C>T. VCF-style: chr5-138781932-C-T. GRCh37 (hg19) VCF-style: chr5-138117621-C-T.
Other names: c.8C>T, p.Ala3Val (NM_001323985.2, NM_001323986.2, NM_001290307.3 and 3 more transcripts); c.-106C>T (NM_001290309.3); c.-199C>T (NM_001290310.3); short protein forms A3V.
Identifiers: ClinVar variation 1501092 (VCV001501092.8), dbSNP rs1410904142, ClinGen allele CA361477034.

ClinVar aggregate classification (germline): Uncertain significance (1 of 4 stars; one submission).

Allele frequency attached by ClinVar (database versions not stated): TOPMed below 0.00001.
gnomAD v4.1: 1 of 1,583,542 alleles (0.000063%); no homozygotes.

Submission:

Labcorp Genetics (formerly Invitae), Labcorp
Classification: Uncertain significance. Last evaluated: 2023-06-09. Review status: criteria provided, single submitter. Criteria: Invitae Variant Classification Sherloc (09022015). Collection method: clinical testing. Allele origin: germline.
Comment: This variant has not been reported in the literature in individuals affected with CTNNA1-related conditions. ClinVar contains an entry for this variant (Variation ID: 1501092). An algorithm developed to predict the effect of missense changes on protein structure and function (PolyPhen-2) suggests that this variant is likely to be tolerated. Algorithms developed to predict the effect of sequence changes on RNA splicing suggest that this variant may create or strengthen a splice site. In summary, the available evidence is currently insufficient to determine the role of this variant in disease. Therefore, it has been classified as a Variant of Uncertain Significance. This variant is not present in population databases (gnomAD no frequency). This sequence change replaces alanine, which is neutral and non-polar, with valine, which is neutral and non-polar, at codon 3 of the CTNNA1 protein (p.Ala3Val).